The following is an entry in ClinVar:

NM_003072.5(SMARCA4):c.883C>G (p.Pro295Ala)

Gene: SMARCA4 (SWI/SNF related BAF chromatin remodeling complex subunit ATPase 4; plus strand). Cytogenetic location: 19p13.2.
Variant type: single nucleotide variant.
Coding change: c.883C>G on transcript NM_003072.5 (MANE Select); coding-DNA position 883, C replaced by G.
Protein change: p.Pro295Ala; replaces proline 295 with alanine.
Molecular consequence: missense variant. On other transcripts: non-coding transcript variant (1).
Genome position (GRCh38, 1-based): chr19:10,987,689, C>G. VCF-style: chr19-10987689-C-G. GRCh37 (hg19) VCF-style: chr19-11098365-C-G.
Other names: c.883C>G, p.Pro295Ala (NM_001128844.3, NM_001128845.2, NM_001128846.2 and 4 more transcripts); short protein forms P295A.
Identifiers: ClinVar variation 842845 (VCV000842845.9), dbSNP rs970190031, ClinGen allele CA404058370.

ClinVar aggregate classification (germline): Uncertain significance (1 of 4 stars; one submission).

Conditions:
Rhabdoid tumor predisposition syndrome 2 (RTPS2). Identifiers: Orphanet 231108, Orphanet 69077, MedGen C2750074, MONDO:0013224, OMIM 613325.

Submission:

Labcorp Genetics (formerly Invitae), Labcorp
Classification: Uncertain significance for Rhabdoid tumor predisposition syndrome 2. Last evaluated: 2019-11-26. Review status: criteria provided, single submitter. Criteria: Invitae Variant Classification Sherloc (09022015). Collection method: clinical testing. Allele origin: germline.
Comment: This sequence change replaces proline with alanine at codon 295 of the SMARCA4 protein (p.Pro295Ala). The proline residue is highly conserved and there is a small physicochemical difference between proline and alanine. This variant is not present in population databases (ExAC no frequency). This variant has not been reported in the literature in individuals with SMARCA4-related conditions. Algorithms developed to predict the effect of missense changes on protein structure and function (SIFT, PolyPhen-2, Align-GVGD) all suggest that this variant is likely to be disruptive, but these predictions have not been confirmed by published functional studies and their clinical significance is uncertain. In summary, the available evidence is currently insufficient to determine the role of this variant in disease. Therefore, it has been classified as a Variant of Uncertain Significance.